The following is an entry in ClinVar:

ClinVar aggregate classification (germline): Uncertain significance. Review status: criteria provided, multiple submitters, no conflicts (2 of 4 stars). 2 submissions from 2 submitters: Uncertain significance (2). Last evaluated 2024-11-20.

Conditions:
Hereditary cancer-predisposing syndrome. Also called: Tumor predisposition; Hereditary Cancer Syndrome; Hereditary neoplastic syndrome; Neoplastic Syndromes, Hereditary. Identifiers: Orphanet 140162, MedGen C0027672, MeSH D009386, MONDO:0015356.

gnomAD v4.1: 1 of 1,587,992 alleles (0.000063%); highest among the groups gnomAD compares: Non-Finnish European, 0.000085%; no homozygotes.

Submissions (2):

Ambry Genetics
Classification: Uncertain significance for Hereditary cancer-predisposing syndrome. Last evaluated: 2024-11-20. Review status: criteria provided, single submitter. Criteria: Ambry Variant Classification Scheme 2023. Collection method: clinical testing. Allele origin: germline.
Comment: The p.G26R variant (also known as c.76G>C), located in coding exon 1 of the NTHL1 gene, results from a G to C substitution at nucleotide position 76. The glycine at codon 26 is replaced by arginine, an amino acid with dissimilar properties. This amino acid position is not well conserved in available vertebrate species, and arginine is the reference amino acid in other vertebrate species. In addition, this alteration is predicted to be tolerated by in silico analysis. Since supporting evidence is limited at this time, the clinical significance of this alteration remains unclear.

Labcorp Genetics (formerly Invitae), Labcorp
Classification: Uncertain significance. Last evaluated: 2021-04-03. Review status: criteria provided, single submitter. Criteria: Invitae Variant Classification Sherloc (09022015). Collection method: clinical testing. Allele origin: germline.
Comment: In summary, the available evidence is currently insufficient to determine the role of this variant in disease. Therefore, it has been classified as a Variant of Uncertain Significance. Algorithms developed to predict the effect of missense changes on protein structure and function output the following: SIFT: "Not Available"; PolyPhen-2: "Benign"; Align-GVGD: "Not Available". The arginine amino acid residue is found in multiple mammalian species, suggesting that this missense change does not adversely affect protein function. These predictions have not been confirmed by published functional studies and their clinical significance is uncertain. This variant has not been reported in the literature in individuals with NTHL1-related conditions. This variant is not present in population databases (ExAC no frequency). This sequence change replaces glycine with arginine at codon 26 of the NTHL1 protein (p.Gly26Arg). The glycine residue is weakly conserved and there is a moderate physicochemical difference between glycine and arginine.

NM_002528.7(NTHL1):c.52G>C (p.Gly18Arg)

Gene: NTHL1 (nth like DNA glycosylase 1; minus strand). Cytogenetic location: 16p13.3.
Variant type: single nucleotide variant.
Coding change: c.52G>C on transcript NM_002528.7 (MANE Select); coding-DNA position 52, G replaced by C.
Protein change: p.Gly18Arg; replaces glycine 18 with arginine.
Molecular consequence: missense variant. On other transcripts: 5 prime UTR variant (1).
Genome position (GRCh38, 1-based): chr16:2,047,772, C>G on the plus strand (G>C on the coding strand, the complement: NTHL1 is on the minus strand). VCF-style: chr16-2047772-C-G. GRCh37 (hg19) VCF-style: chr16-2097773-C-G.
Other names: c.52G>C, p.Gly18Arg (NM_001318193.2); c.-127G>C (NM_001318194.2); short protein forms G18R.
Identifiers: ClinVar variation 1443103 (VCV001443103.9), dbSNP rs1456331577, ClinGen allele CA394298488.